The following is an entry in ClinVar:

ClinVar aggregate classification (germline): Uncertain significance (1 of 4 stars; one submission).

Conditions:
Inborn genetic diseases. Identifiers: MedGen C0950123, MeSH D030342.

Allele frequency attached by ClinVar (database versions not stated): gnomAD exomes below 0.00001.

Submission:

Ambry Genetics
Classification: Uncertain significance for Inborn genetic diseases. Last evaluated: 2017-06-09. Review status: criteria provided, single submitter. Criteria: Ambry Variant Classification Scheme 2023. Collection method: clinical testing. Allele origin: germline.
Comment: The c.340-3C>T intronic variant results from a C to T substitution 3 nucleotides upstream from coding exon 4 in the SHANK3 gene. This nucleotide position is not well conserved in available vertebrate species. The BDGP splice prediction software does not produce a reliable prediction for the nearby native splice acceptor site. Using the ESEfinder splice sit prediction tool, this alteration is predicted to weaken the native splice acceptor site efficiency; however, direct evidence is unavailable. Since supporting evidence is limited at this time, the clinical significance of this alteration remains unclear.

NM_001372044.2(SHANK3):c.567-3C>T

Gene: SHANK3 (SH3 and multiple ankyrin repeat domains 3; plus strand). Cytogenetic location: 22q13.33.
Variant type: single nucleotide variant.
Coding change: c.567-3C>T on transcript NM_001372044.2 (MANE Select); 3 bases into the intron before coding-DNA position 567, C replaced by T.
Molecular consequence: intron variant.
Genome position (GRCh38, 1-based): chr22:50,678,582, C>T. VCF-style: chr22-50678582-C-T. GRCh37 (hg19) VCF-style: chr22-51117010-C-T.
Other names: c.340-3C>T (NM_033517.1).
Identifiers: ClinVar variation 589216 (VCV000589216.5), dbSNP rs867118013, ClinGen allele CA325559968.